The following is an entry in ClinVar:

NM_004463.3(FGD1):c.2816A>C (p.Glu939Ala)

Genes: FGD1 (FYVE, RhoGEF and PH domain containing 1; minus strand), TSR2 (TSR2 ribosome maturation factor; plus strand). Cytogenetic location: Xp11.22.
Variant type: single nucleotide variant.
Coding change: c.2816A>C on transcript NM_004463.3 (MANE Select); coding-DNA position 2816, A replaced by C.
Protein change: p.Glu939Ala; replaces glutamic acid 939 with alanine.
Molecular consequence: missense variant. On other transcripts: 3 prime UTR variant (5).
Genome position (GRCh38, 1-based): chrX:54,446,179, T>G on the plus strand (A>C on the coding strand, the complement: FGD1 is on the minus strand). VCF-style: chrX-54446179-T-G. GRCh37 (hg19) VCF-style: chrX-54472612-T-G.
Other names: c.*1629T>G (NM_001346789.2, NM_001346790.2, NM_001346791.2 and 2 more transcripts); short protein forms E939A.
Identifiers: ClinVar variation 287068 (VCV000287068.41), dbSNP rs147012050, ClinGen allele CA10424890.
Genomic context (GRCh38, chrX:54,446,179, plus strand): 5'-TCTCGGGTCTGGGGGGATTCGGGGGGTTCAGCAGTGGCTCCTAAAGCAGCCACCGGTGCC[T>G]CCTCCATCTCCCTGTCCTCAGACAGTGTGGGCCCCGGGCAGAACGTGTCCCCTCGGCCCG-3'
Protein context (NP_004454.2, residues 929-949): PTLSEDREME[Glu939Ala]APVAALGATA

ClinVar aggregate classification (germline): Conflicting classifications of pathogenicity. Review status: criteria provided, conflicting classifications (1 of 4 stars). 6 submissions from 6 submitters: Uncertain significance (1); Benign (1); Likely benign (3). 1 of the submissions does not count toward it. Last evaluated 2026-10-01.

Conditions:
Inborn genetic diseases. Identifiers: MedGen C0950123, MeSH D030342.
FGD1-related disorder. Also called: FGD1-related condition; FGD1-related disorders.

Allele frequency attached by ClinVar (database versions not stated): gnomAD exomes 0.00025; ExAC 0.00026; ESP Exome Variant Server 0.00047; gnomAD 0.00047 and 0.00048; TOPMed 0.00061; 1000 Genomes Project 30x 0.00125; 1000 Genomes Project 0.00132.
gnomAD v4.1: 251 of 1,209,504 alleles (0.021%); highest among the groups gnomAD compares: African/African-American, 0.17%; no homozygotes.

Submissions (6):

CeGaT Center for Human Genetics Tuebingen
Classification: Likely benign. Last evaluated: 2026-10-01. Review status: criteria provided, single submitter. Criteria: CeGaT Center For Human Genetics Tuebingen Variant Classification Criteria Version 2. Collection method: clinical testing. Allele origin: germline. Affected: yes. Observed: 3 variant alleles.
Comment: FGD1: BS2

Labcorp Genetics (formerly Invitae), Labcorp
Classification: Benign. Last evaluated: 2025-11-13. Review status: criteria provided, single submitter. Criteria: Invitae Variant Classification Sherloc (09022015). Collection method: clinical testing. Allele origin: germline.

Ambry Genetics
Classification: Likely benign for Inborn genetic diseases. Last evaluated: 2025-08-10. Review status: criteria provided, single submitter. Criteria: Ambry Variant Classification Scheme 2023. Collection method: clinical testing. Allele origin: germline.

Blueprint Genetics
Classification: Likely benign. Last evaluated: 2024-10-02. Review status: criteria provided, single submitter. Criteria: ACMG Guidelines, 2015. Collection method: clinical testing. Allele origin: germline.

Eurofins Ntd Llc (ga)
Classification: Uncertain significance. Last evaluated: 2016-03-31. Review status: criteria provided, single submitter. Criteria: EGL Classification Definitions 2015. Collection method: clinical testing. Allele origin: germline. Observed: 1 variant allele, 1 heterozygote.

PreventionGenetics, part of Exact Sciences
Classification: Likely benign for FGD1-related condition. Last evaluated: 2022-07-19. Review status: no assertion criteria provided. Collection method: clinical testing. Allele origin: germline. Not counted in ClinVar's aggregate classification.
Comment: This variant is classified as likely benign based on ACMG/AMP sequence variant interpretation guidelines (Richards et al. 2015 PMID: 25741868, with internal and published modifications).